The following is an entry in ClinVar:

ClinVar aggregate classification (germline): Pathogenic/Likely pathogenic. Review status: criteria provided, multiple submitters, no conflicts (2 of 4 stars). 3 submissions from 3 submitters: Pathogenic (1); Likely pathogenic (1). 1 of the submissions does not count toward it. Last evaluated 2023-05-03.

Conditions:
Usher syndrome type 3A (USH3A). Also called: USHER SYNDROME, TYPE IIIA. Identifiers: MedGen C5779850, MONDO:0010170, OMIM 276902.

Submissions (3):

Revvity Omics, Revvity
Classification: Likely pathogenic. Last evaluated: 2023-05-03. Review status: criteria provided, single submitter. Criteria: ACMG Guidelines, 2015. Collection method: clinical testing. Allele origin: germline.

Labcorp Genetics (formerly Invitae), Labcorp
Classification: Pathogenic. Last evaluated: 2022-09-14. Review status: criteria provided, single submitter. Criteria: Invitae Variant Classification Sherloc (09022015). Collection method: clinical testing. Allele origin: germline.
Comment: For these reasons, this variant has been classified as Pathogenic. ClinVar contains an entry for this variant (Variation ID: 371376). This variant has not been reported in the literature in individuals affected with CLRN1-related conditions. This variant is not present in population databases (gnomAD no frequency). This sequence change creates a premature translational stop signal (p.Gln5*) in the CLRN1 gene. It is expected to result in an absent or disrupted protein product. Loss-of-function variants in CLRN1 are known to be pathogenic (PMID: 11524702, 24498627).

Counsyl
Classification: Likely pathogenic for Usher syndrome type 3A. Last evaluated: 2016-09-07. Review status: no assertion criteria provided. Collection method: clinical testing. Allele origin: unknown. Not counted in ClinVar's aggregate classification.

Literature cited by the submitters: PubMed 11524702 (cited by Labcorp Genetics (formerly Invitae), Labcorp); PubMed 24498627 (cited by Labcorp Genetics (formerly Invitae), Labcorp).

NM_174878.3(CLRN1):c.13C>T (p.Gln5Ter)

Genes: CLRN1 (clarin 1; minus strand), CLRN1-AS1 (CLRN1 antisense RNA 1; plus strand). Cytogenetic location: 3q25.1.
Variant type: single nucleotide variant.
Coding change: c.13C>T on transcript NM_174878.3 (MANE Select); coding-DNA position 13, C replaced by T.
Protein change: p.Gln5Ter; replaces glutamine 5 with a stop codon.
Molecular consequence: nonsense. On other transcripts: non-coding transcript variant (2).
Genome position (GRCh38, 1-based): chr3:150,972,696, G>A on the plus strand (C>T on the coding strand, the complement: CLRN1 is on the minus strand). VCF-style: chr3-150972696-G-A. GRCh37 (hg19) VCF-style: chr3-150690483-G-A.
Other names: c.13C>T, p.Gln5Ter (NM_001195794.1, NM_001256819.2); short protein forms Q5*.
Identifiers: ClinVar variation 371376 (VCV000371376.9), dbSNP rs1057517224, ClinGen allele CA16040903.
Genomic context (GRCh38, chr3:150,972,696, plus strand): 5'-CAACTCCGAGGGCACATGCAAAACTGAACACTCCGGCCATGCAAAAAATGATTTTCTTCT[G>A]TTGGCTTGGCATGATGAGAAACGGCTTCTGTGAGGGCGAGGTTCAAAAACAAGACCTTTG-3'